The following is an entry in ClinVar:

ClinVar aggregate classification (germline): Uncertain significance (1 of 4 stars; one submission).

Conditions:
Hereditary cancer-predisposing syndrome. Also called: Neoplastic Syndromes, Hereditary; Tumor predisposition; Hereditary neoplastic syndrome; Hereditary Cancer Syndrome. Identifiers: Orphanet 140162, MedGen C0027672, MeSH D009386, MONDO:0015356.

Submission:

Ambry Genetics
Classification: Uncertain significance for Hereditary cancer-predisposing syndrome. Last evaluated: 2024-05-05. Review status: criteria provided, single submitter. Criteria: Ambry Variant Classification Scheme 2023. Collection method: clinical testing. Allele origin: germline.
Comment: The p.N327D variant (also known as c.979A>G), located in coding exon 9 of the SMARCE1 gene, results from an A to G substitution at nucleotide position 979. The asparagine at codon 327 is replaced by aspartic acid, an amino acid with highly similar properties. This amino acid position is conserved. In addition, this alteration is predicted to be tolerated by in silico analysis. Based on the available evidence, the clinical significance of this variant remains unclear.

NM_003079.5(SMARCE1):c.979A>G (p.Asn327Asp)

Gene: SMARCE1 (SWI/SNF related BAF chromatin remodeling complex subunit E1; minus strand). Cytogenetic location: 17q21.2.
Variant type: single nucleotide variant.
Coding change: c.979A>G on transcript NM_003079.5 (MANE Select); coding-DNA position 979, A replaced by G.
Protein change: p.Asn327Asp; replaces asparagine 327 with aspartic acid.
Molecular consequence: missense variant.
Genome position (GRCh38, 1-based): chr17:40,630,762, T>C on the plus strand (A>G on the coding strand, the complement: SMARCE1 is on the minus strand). VCF-style: chr17-40630762-T-C. GRCh37 (hg19) VCF-style: chr17-38787014-T-C.
Other names: short protein forms N327D.
Identifiers: ClinVar variation 3320857 (VCV003320857.1).
Genomic context (GRCh38, chr17:40,630,762, plus strand): 5'-CTAGTGGGTTACCTGTCTCCATCGGAATGTTCTCGTCGTCTTTCTTCTCCTCGCCTTTGT[T>C]AGCTGCTTGTTCTTCCTCAGGAACGATGCTGCTCTGACTGCGCTCAGCTTGCTCTGCGGC-3'
Protein context (NP_003070.3, residues 317-337): SIVPEEEQAA[Asn327Asp]KGEEKKDDEN